The following is an entry in ClinVar:

ClinVar aggregate classification (germline): Uncertain significance. Review status: criteria provided, multiple submitters, no conflicts (2 of 4 stars). 2 submissions from 2 submitters: Uncertain significance (2). Last evaluated 2024-03-18.

Conditions:
Arginase deficiency. Also called: ARGININEMIA; ARG1 DEFICIENCY; Arginase 1 Deficiency. Identifiers: Orphanet 90, MedGen C0268548, MONDO:0008814, OMIM 207800.

gnomAD v4.1: 1 of 1,613,614 alleles (0.000062%); highest among the groups gnomAD compares: Admixed American, 0.0017%; no homozygotes.

Submissions (2):

Women's Health and Genetics/Laboratory Corporation of America, LabCorp
Classification: Uncertain significance. Last evaluated: 2024-03-18. Review status: criteria provided, single submitter. Criteria: LabCorp Variant Classification Summary - May 2015. Collection method: clinical testing. Allele origin: germline.

Labcorp Genetics (formerly Invitae), Labcorp
Classification: Uncertain significance for Arginase deficiency. Last evaluated: 2022-08-23. Review status: criteria provided, single submitter. Criteria: Invitae Variant Classification Sherloc (09022015). Collection method: clinical testing. Allele origin: germline.
Comment: Algorithms developed to predict the effect of missense changes on protein structure and function are either unavailable or do not agree on the potential impact of this missense change (SIFT: "Deleterious"; PolyPhen-2: "Probably Damaging"; Align-GVGD: "Class C0"). In summary, the available evidence is currently insufficient to determine the role of this variant in disease. Therefore, it has been classified as a Variant of Uncertain Significance. Algorithms developed to predict the effect of sequence changes on RNA splicing suggest that this variant may disrupt the consensus splice site. ClinVar contains an entry for this variant (Variation ID: 1025000). This variant has not been reported in the literature in individuals affected with ARG1-related conditions. This variant is present in population databases (no rsID available, gnomAD 0.003%). This sequence change replaces arginine, which is basic and polar, with glycine, which is neutral and non-polar, at codon 21 of the ARG1 protein (p.Arg21Gly).

NM_000045.4(ARG1):c.61C>G (p.Arg21Gly)

Genes: ARG1 (arginase 1; plus strand), MED23 (mediator complex subunit 23; minus strand). Cytogenetic location: 6q23.2.
Variant type: single nucleotide variant.
Coding change: c.61C>G on transcript NM_000045.4 (MANE Select); coding-DNA position 61, C replaced by G.
Protein change: p.Arg21Gly; replaces arginine 21 with glycine.
Molecular consequence: missense variant. On other transcripts: intron variant (2).
Genome position (GRCh38, 1-based): chr6:131,576,666, C>G. VCF-style: chr6-131576666-C-G. GRCh37 (hg19) VCF-style: chr6-131897806-C-G.
Other names: c.61C>G, p.Arg21Gly (NM_001244438.2, NM_001369020.1); c.4078-2371G>C (NM_001270521.2); c.4096-2371G>C (NM_015979.4); short protein forms R21G.
Identifiers: ClinVar variation 1025000 (VCV001025000.10), dbSNP rs104893944, ClinGen allele CA365649658.